The following is an entry in ClinVar:

NM_020774.4(MIB1):c.265C>T (p.Arg89Cys)

Gene: MIB1 (MIB E3 ubiquitin protein ligase 1; plus strand). Cytogenetic location: 18q11.2.
Variant type: single nucleotide variant.
Coding change: c.265C>T on transcript NM_020774.4 (MANE Select); coding-DNA position 265, C replaced by T.
Protein change: p.Arg89Cys; replaces arginine 89 with cysteine.
Molecular consequence: missense variant.
Genome position (GRCh38, 1-based): chr18:21,765,807, C>T. VCF-style: chr18-21765807-C-T. GRCh37 (hg19) VCF-style: chr18-19345768-C-T.
Other names: short protein forms R89C.
Identifiers: ClinVar variation 418296 (VCV000418296.2), dbSNP rs778947880, ClinGen allele CA16620665.

ClinVar aggregate classification (germline): Likely pathogenic (1 of 4 stars; one submission).

gnomAD v4.1: 2 of 1,614,062 alleles (0.00012%); highest among the groups gnomAD compares: Non-Finnish European, 0.00017%; no homozygotes.

Submission:

GeneDx
Classification: Likely pathogenic. Last evaluated: 2015-07-01. Review status: criteria provided, single submitter. Criteria: GeneDx Variant Classification (06012015). Collection method: clinical testing. Allele origin: germline. Affected: yes.
Comment: The R89C variant in the MIB1 gene has not been published as a pathogenic variant, nor has it been reported as a benign polymorphism to our knowledge. The R89C variant was not observed in approximately 6,500 individuals of European and African American ancestry in the NHLBI Exome Sequencing Project, indicating it is not a common benign variant in these populations. The R89C variant is a non-conservative amino acid substitution, which is likely to impact secondary protein structure as these residues differ in polarity, charge, size and/or other properties. This substitution occurs at a position in the zinc finger ZZ-type domain that is well-conserved across species. In silico analysis predicts this variant is probably damaging to the protein structure/function. The R89C variant is a good candidate for a disease-causing variant; however, the possibility it may be a rare benign variant cannot be excluded.